The following is an entry in ClinVar:

NM_182493.3(MYLK3):c.1568+3A>G

Gene: MYLK3 (myosin light chain kinase 3; minus strand). Cytogenetic location: 16q11.2.
Variant type: single nucleotide variant.
Coding change: c.1568+3A>G on transcript NM_182493.3 (MANE Select); 3 bases into the intron after coding-DNA position 1568, A replaced by G.
Molecular consequence: intron variant.
Genome position (GRCh38, 1-based): chr16:46,730,590, T>C on the plus strand (A>G on the coding strand, the complement: MYLK3 is on the minus strand). VCF-style: chr16-46730590-T-C. GRCh37 (hg19) VCF-style: chr16-46764502-T-C.
Other names: c.545+3A>G (NM_001308301.1).
Identifiers: ClinVar variation 1383799 (VCV001383799.6), dbSNP rs2143014853, ClinGen allele CA2573152409.

ClinVar aggregate classification (germline): Uncertain significance (1 of 4 stars; one submission).

Submission:

Labcorp Genetics (formerly Invitae), Labcorp
Classification: Uncertain significance. Last evaluated: 2021-09-29. Review status: criteria provided, single submitter. Criteria: Invitae Variant Classification Sherloc (09022015). Collection method: clinical testing. Allele origin: germline.
Comment: This variant is not present in population databases (ExAC no frequency). In summary, the available evidence is currently insufficient to determine the role of this variant in disease. Therefore, it has been classified as a Variant of Uncertain Significance. Variants that disrupt the consensus splice site are a relatively common cause of aberrant splicing (PMID: 17576681, 9536098). Algorithms developed to predict the effect of sequence changes on RNA splicing suggest that this variant may disrupt the consensus splice site. This variant has not been reported in the literature in individuals affected with MYLK3-related conditions. This sequence change falls in intron 5 of the MYLK3 gene. It does not directly change the encoded amino acid sequence of the MYLK3 protein. It affects a nucleotide within the consensus splice site of the intron.

Literature cited by the submitters: PubMed 17576681; PubMed 9536098.